The following is an entry in ClinVar:

NM_032130.3(FAM186B):c.1273T>C (p.Phe425Leu)

Gene: FAM186B (family with sequence similarity 186 member B; minus strand). Cytogenetic location: 12q13.12.
Variant type: single nucleotide variant.
Coding change: c.1273T>C on transcript NM_032130.3 (MANE Select); coding-DNA position 1273, T replaced by C.
Protein change: p.Phe425Leu; replaces phenylalanine 425 with leucine.
Molecular consequence: missense variant. On other transcripts: non-coding transcript variant (1).
Genome position (GRCh38, 1-based): chr12:49,600,367, A>G on the plus strand (T>C on the coding strand, the complement: FAM186B is on the minus strand). VCF-style: chr12-49600367-A-G. GRCh37 (hg19) VCF-style: chr12-49994150-A-G.
Other names: short protein forms F425L.
Identifiers: ClinVar variation 2901372 (VCV002901372.3), dbSNP rs2547700760, ClinGen allele CA384716352.
Genomic context (GRCh38, chr12:49,600,367, plus strand): 5'-CCTGGTCTTTGTCTTTGTGGCCTAAGCTTTCTGCCACCGGTCTTTCCCATTTCTTAGGAA[A>G]CCTGCGATCTACTAAGGGTAAAAGCACAGGCTCAAGGCTCTCAGTGTCCTTGCTGCCGAA-3'
Protein context (NP_115506.1, residues 415-435): PVLLPLVDRR[Phe425Leu]PKKWERPVAE

ClinVar aggregate classification (germline): Uncertain significance (1 of 4 stars; one submission).

Submission:

Labcorp Genetics (formerly Invitae), Labcorp
Classification: Uncertain significance. Last evaluated: 2023-06-15. Review status: criteria provided, single submitter. Criteria: Invitae Variant Classification Sherloc (09022015). Collection method: clinical testing. Allele origin: germline.
Comment: In summary, the available evidence is currently insufficient to determine the role of this variant in disease. Therefore, it has been classified as a Variant of Uncertain Significance. Algorithms developed to predict the effect of missense changes on protein structure and function output the following: SIFT: "Not Available"; PolyPhen-2: "Benign"; Align-GVGD: "Not Available". The leucine amino acid residue is found in multiple mammalian species, which suggests that this missense change does not adversely affect protein function. This variant has not been reported in the literature in individuals affected with FAM186B-related conditions. This variant is not present in population databases (gnomAD no frequency). This sequence change replaces phenylalanine, which is neutral and non-polar, with leucine, which is neutral and non-polar, at codon 425 of the FAM186B protein (p.Phe425Leu).